The following is an entry in ClinVar:

NM_015202.5(KATNIP):c.281G>A (p.Arg94Lys)

Gene: KATNIP (katanin interacting protein; plus strand). Cytogenetic location: 16p12.1.
Variant type: single nucleotide variant.
Coding change: c.281G>A on transcript NM_015202.5 (MANE Select); coding-DNA position 281, G replaced by A.
Protein change: p.Arg94Lys; replaces arginine 94 with lysine.
Molecular consequence: missense variant.
Genome position (GRCh38, 1-based): chr16:27,628,801, G>A. VCF-style: chr16-27628801-G-A. GRCh37 (hg19) VCF-style: chr16-27640122-G-A.
Other names: short protein forms R94K.
Identifiers: ClinVar variation 3016317 (VCV003016317.4), dbSNP rs762897830, ClinGen allele CA7977267.

ClinVar aggregate classification (germline): Uncertain significance. Review status: criteria provided, multiple submitters, no conflicts (2 of 4 stars). 2 submissions from 2 submitters: Uncertain significance (2). Last evaluated 2024-10-30.

Allele frequency attached by ClinVar (database versions not stated): gnomAD 0.00001; gnomAD exomes 0.00001; ExAC 0.00002.
gnomAD v4.1: 22 of 1,614,090 alleles (0.0014%); highest among the groups gnomAD compares: East Asian, 0.045%; no homozygotes.

Submissions (2):

Blueprint Genetics
Classification: Uncertain significance. Last evaluated: 2024-10-30. Review status: criteria provided, single submitter. Criteria: ACMG Guidelines, 2015. Collection method: clinical testing. Allele origin: germline.

Labcorp Genetics (formerly Invitae), Labcorp
Classification: Uncertain significance. Last evaluated: 2023-12-09. Review status: criteria provided, single submitter. Criteria: Invitae Variant Classification Sherloc (09022015). Collection method: clinical testing. Allele origin: germline.
Comment: This sequence change replaces arginine, which is basic and polar, with lysine, which is basic and polar, at codon 94 of the KIAA0556 protein (p.Arg94Lys). This variant is present in population databases (rs762897830, gnomAD 0.02%). This variant has not been reported in the literature in individuals affected with KIAA0556-related conditions. An algorithm developed to predict the effect of missense changes on protein structure and function (PolyPhen-2) suggests that this variant is likely to be tolerated. In summary, the available evidence is currently insufficient to determine the role of this variant in disease. Therefore, it has been classified as a Variant of Uncertain Significance.